The following is an entry in ClinVar:

ClinVar aggregate classification (germline): Likely benign (1 of 4 stars; one submission).

gnomAD v4.1: 5 of 1,613,914 alleles (0.00031%); highest among the groups gnomAD compares: Admixed American, 0.0083%; no homozygotes.

Submission:

CeGaT Center for Human Genetics Tuebingen
Classification: Likely benign. Last evaluated: 2025-10-01. Review status: criteria provided, single submitter. Criteria: CeGaT Center For Human Genetics Tuebingen Variant Classification Criteria Version 2. Collection method: clinical testing. Allele origin: germline. Affected: yes. Observed: 2 variant alleles.
Comment: ROS1: BP4, BP7

NM_001378902.1(ROS1):c.2778A>G (p.Thr926=)

Gene: ROS1 (ROS proto-oncogene 1, receptor tyrosine kinase; minus strand). Cytogenetic location: 6q22.1.
Variant type: single nucleotide variant.
Coding change: c.2778A>G on transcript NM_001378902.1 (MANE Select); coding-DNA position 2778, A replaced by G.
Protein change: p.Thr926=; no amino-acid change (threonine 926 retained).
Molecular consequence: synonymous variant.
Genome position (GRCh38, 1-based): chr6:117,366,095, T>C on the plus strand (A>G on the coding strand, the complement: ROS1 is on the minus strand). VCF-style: chr6-117366095-T-C. GRCh37 (hg19) VCF-style: chr6-117687258-T-C.
Other names: c.2781A>G, p.Thr927= (NM_001378891.1); c.2793A>G, p.Thr931= (NM_002944.3).
Identifiers: ClinVar variation 3905143 (VCV003905143.10).